The following is an entry in ClinVar:

NM_000222.3(KIT):c.1275G>A (p.Met425Ile)

Gene: KIT (KIT proto-oncogene, receptor tyrosine kinase; plus strand). Cytogenetic location: 4q12.
Variant type: single nucleotide variant.
Coding change: c.1275G>A on transcript NM_000222.3 (MANE Select); coding-DNA position 1275, G replaced by A.
Protein change: p.Met425Ile; replaces methionine 425 with isoleucine.
Molecular consequence: missense variant.
Genome position (GRCh38, 1-based): chr4:54,723,627, G>A. VCF-style: chr4-54723627-G-A. GRCh37 (hg19) VCF-style: chr4-55589793-G-A.
Other names: c.1275G>A, p.Met425Ile (NM_001093772.2, NM_001385285.1, NM_001385286.1); c.1278G>A, p.Met426Ile (NM_001385284.1, NM_001385288.1, NM_001385290.1 and 1 more transcripts); short protein forms M425I, M426I.
Identifiers: ClinVar variation 575510 (VCV000575510.9), dbSNP rs1560414419, ClinGen allele CA356905505.

ClinVar aggregate classification (germline): Uncertain significance. Review status: criteria provided, multiple submitters, no conflicts (2 of 4 stars). 2 submissions from 2 submitters: Uncertain significance (2). Last evaluated 2025-10-03.

Conditions:
Gastrointestinal stromal tumor. Also called: Gastrointestinal stromal tumor, somatic; Gastrointestinal stroma tumor. Identifiers: Orphanet 44890, MedGen C0238198, MeSH D046152, MONDO:0011719, OMIM 606764, HP:0100723.
Hereditary cancer-predisposing syndrome. Also called: Hereditary Cancer Syndrome; Tumor predisposition; Neoplastic Syndromes, Hereditary; Hereditary neoplastic syndrome. Identifiers: Orphanet 140162, MedGen C0027672, MeSH D009386, MONDO:0015356.

Allele frequency attached by ClinVar (database versions not stated): gnomAD exomes below 0.00001.
gnomAD v4.1: 1 of 1,614,084 alleles (0.000062%); highest among the groups gnomAD compares: Non-Finnish European, 0.000085%; no homozygotes.

Submissions (2):

Ambry Genetics
Classification: Uncertain significance for Hereditary cancer-predisposing syndrome. Last evaluated: 2025-10-03. Review status: criteria provided, single submitter. Criteria: Ambry Variant Classification Scheme 2023. Collection method: clinical testing. Allele origin: germline.
Comment: The p.M425I variant (also known as c.1275G>A), located in coding exon 8 of the KIT gene, results from a G to A substitution at nucleotide position 1275. The methionine at codon 425 is replaced by isoleucine, an amino acid with highly similar properties. This amino acid position is conserved. In addition, this alteration is predicted to be tolerated by in silico analysis. Since supporting evidence is limited at this time, the clinical significance of this alteration remains unclear.

Labcorp Genetics (formerly Invitae), Labcorp
Classification: Uncertain significance for Gastrointestinal stromal tumor. Last evaluated: 2025-07-17. Review status: criteria provided, single submitter. Criteria: Invitae Variant Classification Sherloc (09022015). Collection method: clinical testing. Allele origin: germline.
Comment: This sequence change replaces methionine, which is neutral and non-polar, with isoleucine, which is neutral and non-polar, at codon 425 of the KIT protein (p.Met425Ile). This variant is not present in population databases (gnomAD no frequency). This variant has not been reported in the literature in individuals affected with KIT-related conditions. ClinVar contains an entry for this variant (Variation ID: 575510). An algorithm developed to predict the effect of missense changes on protein structure and function (PolyPhen-2) suggests that this variant is likely to be tolerated. In summary, the available evidence is currently insufficient to determine the role of this variant in disease. Therefore, it has been classified as a Variant of Uncertain Significance.